The following is an entry in ClinVar:

NM_001193315.2(VIPAS39):c.1179+6T>A

Gene: VIPAS39 (VPS33B interacting protein, apical-basolateral polarity regulator, spe-39 homolog; minus strand). Cytogenetic location: 14q24.3.
Variant type: single nucleotide variant.
Coding change: c.1179+6T>A on transcript NM_001193315.2 (MANE Select); 6 bases into the intron after coding-DNA position 1179, T replaced by A.
Molecular consequence: intron variant.
Genome position (GRCh38, 1-based): chr14:77,433,836, A>T on the plus strand (T>A on the coding strand, the complement: VIPAS39 is on the minus strand). VCF-style: chr14-77433836-A-T. GRCh37 (hg19) VCF-style: chr14-77900179-A-T.
Other names: c.939+6T>A (NM_001400337.1); c.1032+6T>A (NM_001193316.2, NM_001400324.1, NM_001400325.1); c.1086+6T>A (NM_001400333.1, NM_001400334.1); c.1146+6T>A (NM_001400327.1); c.987+426T>A (NM_001400338.1); c.894+6T>A (NM_001400339.1); c.1044+6T>A (NM_001400336.1); c.1179+6T>A (NM_001400330.1, NM_001400335.1, NM_001400332.1 and 5 more transcripts).
Identifiers: ClinVar variation 4984147 (VCV004984147.1).

ClinVar aggregate classification (germline): Uncertain significance (1 of 4 stars; one submission).

Conditions:
VIPAS39-related disorder. Also called: VIPAS39-related condition.

gnomAD v4.1: 6 of 1,613,766 alleles (0.00037%); highest among the groups gnomAD compares: African/African-American, 0.008%; no homozygotes.

Submission:

PreventionGenetics, part of Exact Sciences
Classification: Uncertain significance for VIPAS39-related condition. Last evaluated: 2024-11-05. Review status: criteria provided, single submitter. Criteria: ACMG Guidelines, 2015. Collection method: clinical testing. Allele origin: germline.
Comment: The VIPAS39 c.1179+6T>A variant is predicted to interfere with splicing. This variant is predicted to create a cryptic donor splice site and may alter splicing based on available splicing prediction programs (SpliceAI; Jaganathan et al., 2019; PubMed ID: 30661751). However, the use of computer prediction programs is not equivalent to functional evidence. To our knowledge, this variant has not been reported in the literature. This variant is reported in 0.012% of alleles in individuals of African descent in gnomAD. At this time, the clinical significance of this variant is uncertain due to the absence of conclusive functional and genetic evidence.